The following is an entry in ClinVar:

ClinVar aggregate classification (germline): Uncertain significance (1 of 4 stars; one submission).

Conditions:
Wilson disease (WND). Also called: Wilson's disease. Identifiers: Orphanet 905, MedGen C0019202, MONDO:0010200, OMIM 277900. Disease mechanism: loss of function.

Allele frequency attached by ClinVar (database versions not stated): TOPMed below 0.00001; gnomAD 0.00001.
gnomAD v4.1: 2 of 1,614,124 alleles (0.00012%); highest among the groups gnomAD compares: Non-Finnish European, 0.00017%; no homozygotes.

Submission:

Labcorp Genetics (formerly Invitae), Labcorp
Classification: Uncertain significance for Wilson disease. Last evaluated: 2022-08-22. Review status: criteria provided, single submitter. Criteria: Invitae Variant Classification Sherloc (09022015). Collection method: clinical testing. Allele origin: germline.
Comment: Advanced modeling of protein sequence and biophysical properties (such as structural, functional, and spatial information, amino acid conservation, physicochemical variation, residue mobility, and thermodynamic stability) performed at Invitae indicates that this missense variant is not expected to disrupt ATP7B protein function. This variant has not been reported in the literature in individuals affected with ATP7B-related conditions. This variant is not present in population databases (gnomAD no frequency). This sequence change replaces threonine, which is neutral and polar, with isoleucine, which is neutral and non-polar, at codon 9 of the ATP7B protein (p.Thr9Ile). In summary, the available evidence is currently insufficient to determine the role of this variant in disease. Therefore, it has been classified as a Variant of Uncertain Significance.

NM_000053.4(ATP7B):c.26C>T (p.Thr9Ile)

Gene: ATP7B (ATPase copper transporting beta; minus strand). Cytogenetic location: 13q14.3.
Variant type: single nucleotide variant.
Coding change: c.26C>T on transcript NM_000053.4 (MANE Select); coding-DNA position 26, C replaced by T.
Protein change: p.Thr9Ile; replaces threonine 9 with isoleucine.
Molecular consequence: missense variant.
Genome position (GRCh38, 1-based): chr13:52,011,312, G>A on the plus strand (C>T on the coding strand, the complement: ATP7B is on the minus strand). VCF-style: chr13-52011312-G-A. GRCh37 (hg19) VCF-style: chr13-52585448-G-A.
Other names: c.26C>T, p.Thr9Ile (NM_001005918.3, NM_001243182.2, NM_001330578.2 and 30 more transcripts); c.-162C>T (NM_001406518.1); c.-104C>T (NM_001406539.1, NM_001406543.1); short protein forms T9I.
Identifiers: ClinVar variation 2167767 (VCV002167767.4), dbSNP rs1954025092, ClinGen allele CA388047639.